The following is an entry in ClinVar:

ClinVar aggregate classification (germline): Pathogenic. Review status: criteria provided, multiple submitters, no conflicts (2 of 4 stars). 3 submissions from 3 submitters: Pathogenic (3). Last evaluated 2024-10-24.

Conditions:
Congenital disorder of deglycosylation (CDDG). Identifiers: MedGen C3808991, MONDO:0031376.
Inborn genetic diseases. Identifiers: MedGen C0950123, MeSH D030342.
Congenital disorder of deglycosylation 1. Also called: NGLY1-Related Congenital Disorder of Deglycosylation; NGLY1-deficiency. Identifiers: Orphanet 404454, MedGen CN306977, MONDO:0800044, OMIM 615273.

Allele frequency attached by ClinVar (database versions not stated): gnomAD exomes below 0.00001.

Submissions (3):

Labcorp Genetics (formerly Invitae), Labcorp
Classification: Pathogenic for Congenital disorder of deglycosylation. Last evaluated: 2024-10-24. Review status: criteria provided, single submitter. Criteria: Invitae Variant Classification Sherloc (09022015). Collection method: clinical testing. Allele origin: germline.
Comment: This sequence change creates a premature translational stop signal (p.Arg586*) in the NGLY1 gene. While this is not anticipated to result in nonsense mediated decay, it is expected to disrupt the last 69 amino acid(s) of the NGLY1 protein. This variant is not present in population databases (gnomAD no frequency). This premature translational stop signal has been observed in individual(s) with NGLY1-related conditions (PMID: 31311714). ClinVar contains an entry for this variant (Variation ID: 2287190). Algorithms developed to predict the effect of sequence changes on RNA splicing suggest that this variant may disrupt the consensus splice site. This variant disrupts a region of the NGLY1 protein in which other variant(s) (p.Gln631Serfs*7) have been determined to be pathogenic (PMID: 24651605, 25900930, 30740912). This suggests that this is a clinically significant region of the protein, and that variants that disrupt it are likely to be disease-causing. For these reasons, this variant has been classified as Pathogenic.

Genomic Medicine Center of Excellence, King Faisal Specialist Hospital and Research Centre
Classification: Pathogenic for Congenital disorder of deglycosylation 1. Last evaluated: 2024-04-04. Review status: criteria provided, single submitter. Criteria: ACMG Guidelines, 2015. Collection method: clinical testing. Allele origin: germline.

Ambry Genetics
Classification: Pathogenic for Inborn genetic diseases. Last evaluated: 2022-06-15. Review status: criteria provided, single submitter. Criteria: Ambry Variant Classification Scheme 2023. Collection method: clinical testing. Allele origin: germline.
Comment: The c.1756C>T (p.R586*) alteration, located in exon 11 (coding exon 11) of the NGLY1 gene, consists of a C to T substitution at nucleotide position 1756. This changes the amino acid from an arginine (R) to a stop codon at amino acid position 586. This alteration occurs at the 3' terminus of the NGLY1 gene, is not expected to trigger nonsense-mediated mRNA decay, and impacts the last 69 amino acids of the protein. Premature stop codons are typically deleterious in nature and the impacted region is critical for protein function (Ambry internal data). This variant was not reported in population-based cohorts in the Genome Aggregation Database (gnomAD). A similarly affected sibling was also homozygous and both parents were heterozygous (Haijes, 2019). Based on the available evidence, this alteration is classified as pathogenic.

Literature cited by the submitters: PubMed 31311714 (cited by Labcorp Genetics (formerly Invitae), Labcorp and Ambry Genetics); PubMed 24651605 (cited by Labcorp Genetics (formerly Invitae), Labcorp); PubMed 25900930 (cited by Labcorp Genetics (formerly Invitae), Labcorp); PubMed 30740912 (cited by Labcorp Genetics (formerly Invitae), Labcorp).

NM_018297.4(NGLY1):c.1756C>T (p.Arg586Ter)

Gene: NGLY1 (N-glycanase 1; minus strand). Cytogenetic location: 3p24.2.
Variant type: single nucleotide variant.
Coding change: c.1756C>T on transcript NM_018297.4 (MANE Select); coding-DNA position 1756, C replaced by T.
Protein change: p.Arg586Ter; replaces arginine 586 with a stop codon.
Molecular consequence: nonsense. On other transcripts: intron variant (1).
Genome position (GRCh38, 1-based): chr3:25,720,047, G>A on the plus strand (C>T on the coding strand, the complement: NGLY1 is on the minus strand). VCF-style: chr3-25720047-G-A. GRCh37 (hg19) VCF-style: chr3-25761538-G-A.
Other names: c.1702C>T, p.Arg568Ter (NM_001145293.2); c.1630C>T, p.Arg544Ter (NM_001145294.2); c.1612-412C>T (NM_001145295.2); c.1756C>T (NM_018297.3); short protein forms R544*, R568*, R586*.
Identifiers: ClinVar variation 2287190 (VCV002287190.10), dbSNP rs1383370693, ClinGen allele CA351893924.
Genomic context (GRCh38, chr3:25,720,047, plus strand): 5'-TGATTAATTCTCCAGGCAAATGCTTACCGCCTGTCAGTTCTACTTGTGCTGTATCAGATC[G>A]CAATTTCCATTCTACTGTTCCAGTCTGAAAAGTTTGACTACTTGTTCTAATAGAAATGCT-3'